The following is an entry in ClinVar:

ClinVar aggregate classification (germline): Uncertain significance. Review status: criteria provided, multiple submitters, no conflicts (2 of 4 stars). 3 submissions from 3 submitters: Uncertain significance (3). Last evaluated 2024-12-04.

Conditions:
Inborn genetic diseases. Identifiers: MedGen C0950123, MeSH D030342.
Nemaline myopathy 8 (NEM8). Also called: Nemaline myopathy 8, autosomal recessive. Identifiers: Orphanet 171430, MedGen C3809209, MONDO:0014138, OMIM 615348.

Allele frequency attached by ClinVar (database versions not stated): TOPMed 0.00004; gnomAD 0.00006; ExAC 0.00009; gnomAD exomes 0.00010; 1000 Genomes Project 30x 0.00016; 1000 Genomes Project 0.00020; ESP Exome Variant Server 0.00023.

Submissions (3):

Ambry Genetics
Classification: Uncertain significance for Inborn genetic diseases. Last evaluated: 2024-12-04. Review status: criteria provided, single submitter. Criteria: Ambry Variant Classification Scheme 2023. Collection method: clinical testing. Allele origin: germline.

Labcorp Genetics (formerly Invitae), Labcorp
Classification: Uncertain significance for Nemaline myopathy 8. Last evaluated: 2022-11-01. Review status: criteria provided, single submitter. Criteria: Invitae Variant Classification Sherloc (09022015). Collection method: clinical testing. Allele origin: germline.
Comment: This sequence change replaces leucine, which is neutral and non-polar, with valine, which is neutral and non-polar, at codon 493 of the KLHL40 protein (p.Leu493Val). This variant is present in population databases (rs375270697, gnomAD 0.02%). This variant has not been reported in the literature in individuals affected with KLHL40-related conditions. ClinVar contains an entry for this variant (Variation ID: 474329). Advanced modeling of protein sequence and biophysical properties (such as structural, functional, and spatial information, amino acid conservation, physicochemical variation, residue mobility, and thermodynamic stability) has been performed at Invitae for this missense variant, however the output from this modeling did not meet the statistical confidence thresholds required to predict the impact of this variant on KLHL40 protein function. In summary, the available evidence is currently insufficient to determine the role of this variant in disease. Therefore, it has been classified as a Variant of Uncertain Significance.

Mayo Clinic Laboratories, Mayo Clinic
Classification: Uncertain significance. Last evaluated: 2021-08-20. Review status: criteria provided, single submitter. Criteria: ACMG Guidelines, 2015. Collection method: clinical testing. Allele origin: germline.

NM_152393.4(KLHL40):c.1477C>G (p.Leu493Val)

Gene: KLHL40 (kelch like family member 40; plus strand). Cytogenetic location: 3p22.1.
Variant type: single nucleotide variant.
Coding change: c.1477C>G on transcript NM_152393.4 (MANE Select); coding-DNA position 1477, C replaced by G.
Protein change: p.Leu493Val; replaces leucine 493 with valine.
Molecular consequence: missense variant.
Genome position (GRCh38, 1-based): chr3:42,688,924, C>G. VCF-style: chr3-42688924-C-G. GRCh37 (hg19) VCF-style: chr3-42730416-C-G.
Other names: p.Leu493Val; c.1477C>G (NM_152393.2); short protein forms L493V.
Identifiers: ClinVar variation 474329 (VCV000474329.10), dbSNP rs375270697, ClinGen allele CA2336987.
Genomic context (GRCh38, chr3:42,688,924, plus strand): 5'-CACAGGAAGTGCCTGAACAAGATGTGCGTCTATGACCCCAAGAAGTTTGAGTGGAAGGAG[C>G]TGGCACCCATGCAGACCGCCCGCTCACTCTTTGGGGCCACTGTCCATGATGGCCGCATTA-3'
Protein context (NP_689606.2, residues 483-503): YDPKKFEWKE[Leu493Val]APMQTARSLF